The following is an entry in ClinVar:

NM_000551.4(VHL):c.397del (p.Thr133fs)

Genes: VHL (von Hippel-Lindau tumor suppressor; plus strand), LOC107303340 (3p25 von Hippel-Lindau tumor suppressor, E3 ubiquitin protein ligase Alu-mediated recombination region; plus strand). Cytogenetic location: 3p25.3.
Variant type: Deletion.
Coding change: c.397del on transcript NM_000551.4 (MANE Select); coding-DNA position 397, one base deleted (A; older notation c.397delA).
Protein change: p.Thr133fs; shifts the reading frame from threonine 133.
Molecular consequence: frameshift variant. On other transcripts: intron variant (2).
Genome position (GRCh38, 1-based): chr3:10,146,570, A deleted; the last of 3 consecutive A bases (chr3:10,146,568-10,146,570); deleting any one gives the same sequence. VCF-style (leftmost placement, unchanged base first): chr3-10146567-CA-C. GRCh37 (hg19) VCF-style: chr3-10188251-CA-C.
Other names: c.397delA (NM_000551.3); c.*18-3217del (NM_001354723.2); c.341-3217del (NM_198156.3); short protein forms T133fs.
Identifiers: ClinVar variation 625244 (VCV000625244.4), dbSNP rs1559428134, ClinGen allele CA432421843.

ClinVar aggregate classification (germline): Pathogenic. Review status: criteria provided, multiple submitters, no conflicts (2 of 4 stars). 2 submissions from 2 submitters: Pathogenic (2). Last evaluated 2023-03-16.

Conditions:
Von Hippel-Lindau syndrome (VHLS). Also called: von Hippel–Lindau syndrome; Von Hippel-Lindau; VHL syndrome. Identifiers: Orphanet 892, MedGen C0019562, MONDO:0008667, OMIM 193300. Disease mechanism: loss of function.
Chuvash polycythemia. Also called: POLYCYTHEMIA, VHL-DEPENDENT. Identifiers: Orphanet 238557, MedGen C1837915, MONDO:0009892, OMIM 263400.

Submissions (2):

Labcorp Genetics (formerly Invitae), Labcorp
Classification: Pathogenic for Von Hippel-Lindau syndrome; Chuvash polycythemia. Last evaluated: 2023-03-16. Review status: criteria provided, single submitter. Criteria: Invitae Variant Classification Sherloc (09022015). Collection method: clinical testing. Allele origin: germline.
Comment: For these reasons, this variant has been classified as Pathogenic. ClinVar contains an entry for this variant (Variation ID: 625244). This variant is also known as 608delA. This premature translational stop signal has been observed in individual(s) with von Hippel-Lindau syndrome (PMID: 9829911). This variant is not present in population databases (gnomAD no frequency). This sequence change creates a premature translational stop signal (p.Thr133Leufs*26) in the VHL gene. It is expected to result in an absent or disrupted protein product. Loss-of-function variants in VHL are known to be pathogenic (PMID: 8956040, 12202531).

Genomic Diagnostic Laboratory, Division of Genomic Diagnostics, Children's Hospital of Philadelphia
Classification: Pathogenic for von Hippel-Lindau syndrome. Last evaluated: 2018-08-01. Review status: criteria provided, single submitter. Criteria: DGD Variant Analysis Guidelines. Collection method: clinical testing. Allele origin: germline. Observed: 4 variant alleles.

Literature cited by the submitters: PubMed 9829911 (cited by Labcorp Genetics (formerly Invitae), Labcorp); PubMed 8956040 (cited by Labcorp Genetics (formerly Invitae), Labcorp); PubMed 12202531 (cited by Labcorp Genetics (formerly Invitae), Labcorp).